The following is an entry in ClinVar:

ClinVar aggregate classification (germline): Uncertain significance (1 of 4 stars; one submission).

Submission:

Ambry Genetics
Classification: Uncertain significance. Last evaluated: 2024-08-03. Review status: criteria provided, single submitter. Criteria: Ambry Variant Classification Scheme 2023. Collection method: clinical testing. Allele origin: germline.
Comment: The p.P298R variant (also known as c.893C>G), located in coding exon 6 of the IDH1 gene, results from a C to G substitution at nucleotide position 893. The proline at codon 298 is replaced by arginine, an amino acid with dissimilar properties. This amino acid position is conserved. In addition, this alteration is predicted to be deleterious by in silico analysis. Based on the available evidence, the clinical significance of this variant remains unclear.

NM_005896.4(IDH1):c.893C>G (p.Pro298Arg)

Gene: IDH1 (isocitrate dehydrogenase (NADP(+)) 1; minus strand). Cytogenetic location: 2q34.
Variant type: single nucleotide variant.
Coding change: c.893C>G on transcript NM_005896.4 (MANE Select); coding-DNA position 893, C replaced by G.
Protein change: p.Pro298Arg; replaces proline 298 with arginine.
Molecular consequence: missense variant.
Genome position (GRCh38, 1-based): chr2:208,239,961, G>C on the plus strand (C>G on the coding strand, the complement: IDH1 is on the minus strand). VCF-style: chr2-208239961-G-C. GRCh37 (hg19) VCF-style: chr2-209104685-G-C.
Other names: c.893C>G, p.Pro298Arg (NM_001282386.1, NM_001282387.1); short protein forms P298R.
Identifiers: ClinVar variation 3527502 (VCV003527502.1).